The following is an entry in ClinVar:

ClinVar aggregate classification (germline): Uncertain significance. Review status: criteria provided, multiple submitters, no conflicts (2 of 4 stars). 4 submissions from 4 submitters: Uncertain significance (4). Last evaluated 2025-11-03.

Conditions:
Neuroblastoma, susceptibility to, 3. Also called: ALK-Related Neuroblastic Tumor Susceptibility. Identifiers: Orphanet 635, MedGen C2751681, MONDO:0013083, OMIM 613014.
Hereditary cancer-predisposing syndrome. Also called: Hereditary neoplastic syndrome; Tumor predisposition; Neoplastic Syndromes, Hereditary; Hereditary Cancer Syndrome. Identifiers: Orphanet 140162, MedGen C0027672, MeSH D009386, MONDO:0015356.

Allele frequency attached by ClinVar (database versions not stated): TOPMed below 0.00001.
gnomAD v4.1: 18 of 1,614,256 alleles (0.0011%); highest among the groups gnomAD compares: Non-Finnish European, 0.0015%; no homozygotes.

Submissions (4):

Labcorp Genetics (formerly Invitae), Labcorp
Classification: Uncertain significance for Neuroblastoma, susceptibility to, 3. Last evaluated: 2025-11-03. Review status: criteria provided, single submitter. Criteria: Invitae Variant Classification Sherloc (09022015). Collection method: clinical testing. Allele origin: germline.
Comment: This sequence change replaces serine, which is neutral and polar, with phenylalanine, which is neutral and non-polar, at codon 1481 of the ALK protein (p.Ser1481Phe). This variant is not present in population databases (gnomAD no frequency). This variant has not been reported in the literature in individuals affected with ALK-related conditions. ClinVar contains an entry for this variant (Variation ID: 960596). An algorithm developed to predict the effect of missense changes on protein structure and function (PolyPhen-2) suggests that this variant is likely to be disruptive. In summary, the available evidence is currently insufficient to determine the role of this variant in disease. Therefore, it has been classified as a Variant of Uncertain Significance.

Ambry Genetics
Classification: Uncertain significance for Hereditary cancer-predisposing syndrome. Last evaluated: 2024-09-23. Review status: criteria provided, single submitter. Criteria: Ambry Variant Classification Scheme 2023. Collection method: clinical testing. Allele origin: germline.
Comment: The p.S1481F variant (also known as c.4442C>T), located in coding exon 29 of the ALK gene, results from a C to T substitution at nucleotide position 4442. The serine at codon 1481 is replaced by phenylalanine, an amino acid with highly dissimilar properties. This amino acid position is conserved. In addition, this alteration is predicted to be tolerated by in silico analysis. Since supporting evidence is limited at this time, the clinical significance of this alteration remains unclear.

Baylor Genetics
Classification: Uncertain significance for Neuroblastoma, susceptibility to, 3. Last evaluated: 2024-02-12. Review status: criteria provided, single submitter. Criteria: ACMG Guidelines, 2015. Collection method: clinical testing. Allele origin: unknown.

St. Jude Molecular Pathology, St. Jude Children's Research Hospital
Classification: Uncertain significance for Neuroblastoma, susceptibility to, 3. Last evaluated: 2023-07-26. Review status: criteria provided, single submitter. Criteria: St. Jude Assertion Criteria 2020. Collection method: clinical testing. Allele origin: germline.
Comment: The ALK c.4442C>T (p.Ser1481Phe) missense change is absent in gnomAD v2.1.1. The in silico tool REVEL predicts a benign effect on protein function, but to our knowledge this prediction has not been confirmed by functional studies. To our knowledge, this variant has not been reported in the literature in individuals with ALK-related neuroblastic tumor susceptibility. In summary, the evidence currently available is insufficient to determine the clinical significance of this variant. It has therefore been classified as of uncertain significance.

NM_004304.5(ALK):c.4442C>T (p.Ser1481Phe)

Gene: ALK (ALK receptor tyrosine kinase; minus strand). Cytogenetic location: 2p23.2.
Variant type: single nucleotide variant.
Coding change: c.4442C>T on transcript NM_004304.5 (MANE Select); coding-DNA position 4442, C replaced by T.
Protein change: p.Ser1481Phe; replaces serine 1481 with phenylalanine.
Molecular consequence: missense variant.
Genome position (GRCh38, 1-based): chr2:29,193,645, G>A on the plus strand (C>T on the coding strand, the complement: ALK is on the minus strand). VCF-style: chr2-29193645-G-A. GRCh37 (hg19) VCF-style: chr2-29416511-G-A.
Other names: c.1238C>T, p.Ser413Phe (NM_001353765.2); short protein forms S1481F, S413F.
Identifiers: ClinVar variation 960596 (VCV000960596.15), dbSNP rs1356575388, ClinGen allele CA346462078.